The following is an entry in ClinVar:

NM_001024845.3(SLC6A9):c.918C>T (p.Leu306=)

Gene: SLC6A9 (solute carrier family 6 member 9; minus strand). Cytogenetic location: 1p34.1.
Variant type: single nucleotide variant.
Coding change: c.918C>T on transcript NM_001024845.3 (MANE Select); coding-DNA position 918, C replaced by T.
Protein change: p.Leu306=; no amino-acid change (leucine 306 retained).
Molecular consequence: synonymous variant. On other transcripts: non-coding transcript variant (1).
Genome position (GRCh38, 1-based): chr1:44,002,357, G>A on the plus strand (C>T on the coding strand, the complement: SLC6A9 is on the minus strand). VCF-style: chr1-44002357-G-A. GRCh37 (hg19) VCF-style: chr1-44468029-G-A.
Other names: c.930C>T, p.Leu310= (NM_001261380.2); c.585C>T, p.Leu195= (NM_001328626.2, NM_001328630.2); c.855C>T, p.Leu285= (NM_001328627.1); c.723C>T, p.Leu241= (NM_001328628.1); c.918C>T, p.Leu306= (NM_001328629.1); c.975C>T, p.Leu325= (NM_006934.4); c.1137C>T, p.Leu379= (NM_201649.4).
Identifiers: ClinVar variation 1592786 (VCV001592786.33), dbSNP rs138394765, ClinGen allele CA817662.

ClinVar aggregate classification (germline): Likely benign. Review status: criteria provided, multiple submitters, no conflicts (2 of 4 stars). 3 submissions from 3 submitters: Likely benign (3). Last evaluated 2026-06-01.

Conditions:
Atypical glycine encephalopathy. Also called: Glycine encephalopathy with normal serum glycine. Identifiers: Orphanet 289863, MedGen C4310943, MONDO:0015010, OMIM 617301.

Allele frequency attached by ClinVar (database versions not stated): gnomAD exomes 0.00007 and 0.00008; TOPMed 0.00007; ExAC 0.00008; ESP Exome Variant Server 0.00008; gnomAD 0.00009.
gnomAD v4.1: 123 of 1,613,972 alleles (0.0076%); highest among the groups gnomAD compares: Admixed American, 0.01%; no homozygotes.

Submissions (3):

CeGaT Center for Human Genetics Tuebingen
Classification: Likely benign. Last evaluated: 2026-06-01. Review status: criteria provided, single submitter. Criteria: CeGaT Center For Human Genetics Tuebingen Variant Classification Criteria Version 2. Collection method: clinical testing. Allele origin: germline. Affected: yes. Observed: 2 variant alleles.
Comment: SLC6A9: BP4, BP7

Labcorp Genetics (formerly Invitae), Labcorp
Classification: Likely benign for Atypical glycine encephalopathy. Last evaluated: 2024-12-02. Review status: criteria provided, single submitter. Criteria: Invitae Variant Classification Sherloc (09022015). Collection method: clinical testing. Allele origin: germline.

Blueprint Genetics
Classification: Likely benign. Last evaluated: 2023-06-23. Review status: criteria provided, single submitter. Criteria: ACMG Guidelines, 2015. Collection method: clinical testing. Allele origin: germline.